The following is an entry in ClinVar:

ClinVar aggregate classification (germline): Uncertain significance (1 of 4 stars; one submission).

Conditions:
PHGDH deficiency. Identifiers: Orphanet 79351, MedGen C1866174, MONDO:0011152, OMIM 601815.

Allele frequency attached by ClinVar (database versions not stated): gnomAD exomes below 0.00001; TOPMed below 0.00001; gnomAD 0.00001.
gnomAD v4.1: 3 of 1,611,232 alleles (0.00019%); highest among the groups gnomAD compares: Non-Finnish European, 0.00025%; no homozygotes.

Submission:

Labcorp Genetics (formerly Invitae), Labcorp
Classification: Uncertain significance for PHGDH deficiency. Last evaluated: 2022-07-09. Review status: criteria provided, single submitter. Criteria: Invitae Variant Classification Sherloc (09022015). Collection method: clinical testing. Allele origin: germline.
Comment: This sequence change falls in intron 3 of the PHGDH gene. It does not directly change the encoded amino acid sequence of the PHGDH protein. It affects a nucleotide within the consensus splice site. This variant is present in population databases (no rsID available, gnomAD 0.0009%). This variant has not been reported in the literature in individuals affected with PHGDH-related conditions. Variants that disrupt the consensus splice site are a relatively common cause of aberrant splicing (PMID: 17576681, 9536098). Algorithms developed to predict the effect of sequence changes on RNA splicing suggest that this variant is not likely to affect RNA splicing. In summary, the available evidence is currently insufficient to determine the role of this variant in disease. Therefore, it has been classified as a Variant of Uncertain Significance.

Literature cited by the submitters: PubMed 17576681; PubMed 9536098.

NM_006623.4(PHGDH):c.356+3A>G

Gene: PHGDH (phosphoglycerate dehydrogenase; plus strand). Cytogenetic location: 1p12.
Variant type: single nucleotide variant.
Coding change: c.356+3A>G on transcript NM_006623.4 (MANE Select); 3 bases into the intron after coding-DNA position 356, A replaced by G.
Molecular consequence: intron variant.
Genome position (GRCh38, 1-based): chr1:119,723,444, A>G. VCF-style: chr1-119723444-A-G. GRCh37 (hg19) VCF-style: chr1-120266067-A-G.
Identifiers: ClinVar variation 2170688 (VCV002170688.1), dbSNP rs1046256976, ClinGen allele CA30248101.